The following is an entry in ClinVar:

NM_000059.4(BRCA2):c.1030T>C (p.Ser344Pro)

Gene: BRCA2 (BRCA2 DNA repair associated; plus strand). Cytogenetic location: 13q13.1.
Variant type: single nucleotide variant.
Coding change: c.1030T>C on transcript NM_000059.4 (MANE Select); coding-DNA position 1030, T replaced by C.
Protein change: p.Ser344Pro; replaces serine 344 with proline.
Molecular consequence: missense variant. On other transcripts: non-coding transcript variant (1), intron variant (1).
Genome position (GRCh38, 1-based): chr13:32,332,508, T>C. VCF-style: chr13-32332508-T-C. GRCh37 (hg19) VCF-style: chr13-32906645-T-C.
Other names: c.1030T>C, p.Ser344Pro (NM_001406719.1, NM_001406720.1, NM_001406721.1 and 1 more transcripts); c.424+1478T>C (NM_001406722.1); short protein forms S344P.
Identifiers: ClinVar variation 3482181 (VCV003482181.2).

ClinVar aggregate classification (germline): Uncertain significance. Review status: criteria provided, multiple submitters, no conflicts (2 of 4 stars). 2 submissions from 2 submitters: Uncertain significance (2). Last evaluated 2025-09-16.

Conditions:
Hereditary cancer-predisposing syndrome. Also called: Tumor predisposition; Neoplastic Syndromes, Hereditary; Hereditary Cancer Syndrome; Hereditary neoplastic syndrome. Identifiers: Orphanet 140162, MedGen C0027672, MeSH D009386, MONDO:0015356.

Submissions (2):

Color Diagnostics, LLC DBA Color Health
Classification: Uncertain significance for Hereditary cancer-predisposing syndrome. Last evaluated: 2025-09-16. Review status: criteria provided, single submitter. Criteria: ACMG Guidelines, 2015. Collection method: clinical testing. Allele origin: germline.
Comment: This missense variant replaces serine with proline at codon 344 of the BRCA2 protein. Computational prediction suggests that this variant may not impact protein structure and function. To our knowledge, functional studies have not been reported for this variant. This variant has not been reported in individuals affected with BRCA2-related disorders in the literature. This variant has not been identified in the general population by the Genome Aggregation Database (gnomAD). The available evidence is insufficient to determine the role of this variant in disease conclusively. Therefore, this variant is classified as a Variant of Uncertain Significance.

Ambry Genetics
Classification: Uncertain significance for Hereditary cancer-predisposing syndrome. Last evaluated: 2024-11-18. Review status: criteria provided, single submitter. Criteria: Ambry Variant Classification Scheme 2023. Collection method: clinical testing. Allele origin: germline.
Comment: The p.S344P variant (also known as c.1030T>C), located in coding exon 9 of the BRCA2 gene, results from a T to C substitution at nucleotide position 1030. The serine at codon 344 is replaced by proline, an amino acid with similar properties. This amino acid position is poorly conserved in available vertebrate species. In addition, this alteration is predicted to be tolerated by in silico analysis. Based on the available evidence, the clinical significance of this variant remains unclear.